The following is an entry in ClinVar:

ClinVar aggregate classification (germline): Uncertain significance (1 of 4 stars; one submission).

Submission:

Labcorp Genetics (formerly Invitae), Labcorp
Classification: Uncertain significance. Last evaluated: 2023-08-06. Review status: criteria provided, single submitter. Criteria: Invitae Variant Classification Sherloc (09022015). Collection method: clinical testing. Allele origin: germline.
Comment: This variant has not been reported in the literature in individuals affected with SLC10A2-related conditions. This variant is not present in population databases (gnomAD no frequency). This sequence change replaces phenylalanine, which is neutral and non-polar, with serine, which is neutral and polar, at codon 76 of the SLC10A2 protein (p.Phe76Ser). In summary, the available evidence is currently insufficient to determine the role of this variant in disease. Therefore, it has been classified as a Variant of Uncertain Significance. Advanced modeling of protein sequence and biophysical properties (such as structural, functional, and spatial information, amino acid conservation, physicochemical variation, residue mobility, and thermodynamic stability) has been performed at Invitae for this missense variant, however the output from this modeling did not meet the statistical confidence thresholds required to predict the impact of this variant on SLC10A2 protein function.

NM_000452.3(SLC10A2):c.227T>C (p.Phe76Ser)

Gene: SLC10A2 (solute carrier family 10 member 2; minus strand). Cytogenetic location: 13q33.1.
Variant type: single nucleotide variant.
Coding change: c.227T>C on transcript NM_000452.3 (MANE Select); coding-DNA position 227, T replaced by C.
Protein change: p.Phe76Ser; replaces phenylalanine 76 with serine.
Molecular consequence: missense variant.
Genome position (GRCh38, 1-based): chr13:103,066,023, A>G on the plus strand (T>C on the coding strand, the complement: SLC10A2 is on the minus strand). VCF-style: chr13-103066023-A-G. GRCh37 (hg19) VCF-style: chr13-103718373-A-G.
Other names: short protein forms F76S.
Identifiers: ClinVar variation 2750744 (VCV002750744.3), dbSNP rs2501427230, ClinGen allele CA388609231.